The following is an entry in ClinVar:

NM_004990.4(MARS1):c.2204+10C>T

Gene: MARS1 (methionyl-tRNA synthetase 1; plus strand). Cytogenetic location: 12q13.3.
Variant type: single nucleotide variant.
Coding change: c.2204+10C>T on transcript NM_004990.4 (MANE Select); 10 bases into the intron after coding-DNA position 2204, C replaced by T.
Molecular consequence: intron variant.
Genome position (GRCh38, 1-based): chr12:57,515,068, C>T. VCF-style: chr12-57515068-C-T. GRCh37 (hg19) VCF-style: chr12-57908851-C-T.
Other names: p.?.
Identifiers: ClinVar variation 506768 (VCV000506768.15), dbSNP rs376636502, ClinGen allele CA6650732.

ClinVar aggregate classification (germline): Conflicting classifications of pathogenicity. Review status: criteria provided, conflicting classifications (1 of 4 stars). 4 submissions from 4 submitters: Uncertain significance (2); Likely benign (2). Last evaluated 2026-07-30.

Conditions:
Severe early-onset pulmonary alveolar proteinosis due to MARS deficiency. Also called: PULMONARY ALVEOLAR PROTEINOSIS, REUNION ISLAND; Interstitial lung and liver disease. Identifiers: Orphanet 440427, MedGen C4225400, MONDO:0014206, OMIM 615486.
Charcot-Marie-Tooth disease axonal type 2U. Also called: CHARCOT-MARIE-TOOTH NEUROPATHY, TYPE 2U; CHARCOT-MARIE-TOOTH DISEASE, AXONAL, AUTOSOMAL DOMINANT, TYPE 2U. Identifiers: Orphanet 397735, MedGen C4084821, MONDO:0014566, OMIM 616280.
MARS1-related disorder. Also called: MARS1-related condition.

Allele frequency attached by ClinVar (database versions not stated): gnomAD exomes 0.00008 and 0.00012; ExAC 0.00011; gnomAD 0.00039; TOPMed 0.00046; 1000 Genomes Project 30x 0.00062; 1000 Genomes Project 0.00080; ESP Exome Variant Server 0.00085.
gnomAD v4.1: 187 of 1,614,022 alleles (0.012%); highest among the groups gnomAD compares: African/African-American, 0.16%; no homozygotes.

Submissions (5):

PreventionGenetics, part of Exact Sciences
Classification: Uncertain significance for MARS1-related condition. Last evaluated: 2026-07-30. Review status: criteria provided, single submitter. Criteria: ACMG Guidelines, 2015. Collection method: clinical testing. Allele origin: germline.
Comment: The MARS1 c.2204+10C>T variant is predicted to interfere with splicing. This variant is predicted to impact splicing based on splicing prediction programs (SpliceAI, Jaganathan et al. 2019. PubMed ID: 30661751). However, the use of computer prediction programs is not equivalent to functional evidence. To our knowledge, this variant has not been reported in the literature. This variant is reported in 0.14% of alleles in individuals of African descent in gnomAD. Although we suspect that this variant may be benign, at this time, the clinical significance of this variant is uncertain due to the absence of conclusive functional and genetic evidence.

Labcorp Genetics (formerly Invitae), Labcorp
Classification: Likely benign for Charcot-Marie-Tooth disease axonal type 2U; Severe early-onset pulmonary alveolar proteinosis due to MARS deficiency. Last evaluated: 2025-10-21. Review status: criteria provided, single submitter. Criteria: Invitae Variant Classification Sherloc (09022015). Collection method: clinical testing. Allele origin: germline.

Mayo Clinic Laboratories, Mayo Clinic
Classification: Uncertain significance. Last evaluated: 2025-01-05. Review status: criteria provided, single submitter. Criteria: ACMG Guidelines, 2015. Collection method: clinical testing. Allele origin: germline. Observed: 1 variant allele.
Comment: BS1

GeneDx
Classification: Likely benign. Last evaluated: 2018-01-08. Review status: criteria provided, single submitter. Criteria: GeneDx Variant Classification (06012015). Collection method: clinical testing. Allele origin: germline. Affected: yes.
Comment: This variant is considered likely benign or benign based on one or more of the following criteria: it is a conservative change, it occurs at a poorly conserved position in the protein, it is predicted to be benign by multiple in silico algorithms, and/or has population frequency not consistent with disease.

Dr. Peter K. Rogan Lab, Western University
No classification provided (evidence only). Condition: Sarcoma. Review status: no classification provided. Collection method: in vitro. Allele origin: not applicable. Functional consequence: retained intron. Not counted in ClinVar's aggregate classification.